The following is an entry in ClinVar:

ClinVar aggregate classification (germline): Uncertain significance (1 of 4 stars; one submission).

Conditions:
Familial cancer of breast. Also called: Hereditary breast cancer; hereditary breast carcinoma; BREAST CANCER, FAMILIAL. Identifiers: Orphanet 227535, MedGen C0346153, MONDO:0016419, OMIM 114480. Disease mechanism: loss of function.

Submission:

Labcorp Genetics (formerly Invitae), Labcorp
Classification: Uncertain significance for Familial cancer of breast. Last evaluated: 2025-09-03. Review status: criteria provided, single submitter. Criteria: Invitae Variant Classification Sherloc (09022015). Collection method: clinical testing. Allele origin: germline.
Comment: This sequence change replaces leucine, which is neutral and non-polar, with threonine, which is neutral and polar, at codon 436 of the CHEK2 protein (p.Leu436Thr). Information on the frequency of this variant in the gnomAD database is not available, as this variant may be reported differently in the database. This variant has not been reported in the literature in individuals affected with CHEK2-related conditions. ClinVar contains an entry for this variant (Variation ID: 2955871). An algorithm developed to predict the effect of missense changes on protein structure and function (PolyPhen-2) suggests that this variant is likely to be disruptive. In summary, the available evidence is currently insufficient to determine the role of this variant in disease. Therefore, it has been classified as a Variant of Uncertain Significance.

NM_007194.4(CHEK2):c.1306_1307delinsAC (p.Leu436Thr)

Gene: CHEK2 (checkpoint kinase 2; minus strand). Cytogenetic location: 22q12.1.
Variant type: Indel.
Coding change: c.1306_1307delinsAC on transcript NM_007194.4 (MANE Select); coding-DNA positions 1306 to 1307, CT replaced by AC.
Protein change: p.Leu436Thr; replaces leucine 436 with threonine.
Molecular consequence: missense variant.
Genome position (GRCh38, 1-based): chr22:28,695,195-28,695,196, AG replaced by GT on the plus strand (CT replaced by AC on the coding strand, the reverse complement: CHEK2 is on the minus strand). VCF-style: chr22-28695195-AG-GT. GRCh37 (hg19) VCF-style: chr22-29091183-AG-GT.
Other names: c.1435_1436delCTinsAC, p.Leu479Thr (NM_001005735.3); c.643_644delCTinsAC, p.Leu215Thr (NM_001257387.3); c.1105_1106delCTinsAC, p.Leu369Thr (NM_001349956.3); c.1219_1220delCTinsAC, p.Leu407Thr (NM_145862.3); short protein forms L407T, L215T, L369T, L436T, L479T.
Identifiers: ClinVar variation 2955871 (VCV002955871.3), dbSNP rs2517797103, ClinGen allele CA2740094809.